The following is an entry in ClinVar:

ClinVar aggregate classification (germline): Conflicting classifications of pathogenicity. Review status: criteria provided, conflicting classifications (1 of 4 stars). 2 submissions from 2 submitters: Uncertain significance (1); Benign (1). Last evaluated 2023-12-01.

Conditions:
Inborn genetic diseases. Identifiers: MedGen C0950123, MeSH D030342.
Spinocerebellar ataxia, autosomal recessive, with axonal neuropathy 2 (SCAN2). Also called: ATAXIA-OCULOMOTOR APRAXIA 2; Ataxia with Oculomotor Apraxia; Ataxia-ocular apraxia-2; Ataxia with Oculomotor Apraxia Type 2. Identifiers: Orphanet 64753, MedGen C1853761, MONDO:0018996, OMIM 606002.
Amyotrophic lateral sclerosis type 4 (ALS4). Also called: NEURONOPATHY, DISTAL HEREDITARY MOTOR, WITH PYRAMIDAL FEATURES; AMYOTROPHIC LATERAL SCLEROSIS 4, JUVENILE. Identifiers: Orphanet 357043, MedGen C1865409, MONDO:0011223, OMIM 602433.

Allele frequency attached by ClinVar (database versions not stated): gnomAD 0.00001; ExAC 0.00002.
gnomAD v4.1: 7 of 1,591,514 alleles (0.00044%); highest among the groups gnomAD compares: Admixed American, 0.01%; no homozygotes.

Submissions (2):

Labcorp Genetics (formerly Invitae), Labcorp
Classification: Benign for Amyotrophic lateral sclerosis type 4; Spinocerebellar ataxia, autosomal recessive, with axonal neuropathy 2. Last evaluated: 2023-12-01. Review status: criteria provided, single submitter. Criteria: Invitae Variant Classification Sherloc (09022015). Collection method: clinical testing. Allele origin: germline.

Ambry Genetics
Classification: Uncertain significance for Inborn genetic diseases. Last evaluated: 2022-01-04. Review status: criteria provided, single submitter. Criteria: Ambry Variant Classification Scheme 2023. Collection method: clinical testing. Allele origin: germline.
Comment: The p.V2604L variant (also known as c.7810G>T), located in coding exon 24 of the SETX gene, results from a G to T substitution at nucleotide position 7810. The valine at codon 2604 is replaced by leucine, an amino acid with highly similar properties. This amino acid position is conserved. In addition, this alteration is predicted to be tolerated by in silico analysis. Since supporting evidence is limited at this time, the clinical significance of this alteration remains unclear.

NM_015046.7(SETX):c.7810G>T (p.Val2604Leu)

Gene: SETX (senataxin; minus strand). Cytogenetic location: 9q34.13.
Variant type: single nucleotide variant.
Coding change: c.7810G>T on transcript NM_015046.7 (MANE Select); coding-DNA position 7810, G replaced by T.
Protein change: p.Val2604Leu; replaces valine 2604 with leucine.
Molecular consequence: missense variant.
Genome position (GRCh38, 1-based): chr9:132,264,463, C>A on the plus strand (G>T on the coding strand, the complement: SETX is on the minus strand). VCF-style: chr9-132264463-C-A. GRCh37 (hg19) VCF-style: chr9-135139850-C-A.
Other names: c.7810G>T, p.Val2604Leu (NM_001351527.2); c.7897G>T, p.Val2633Leu (NM_001351528.2); short protein forms V2604L, V2633L.
Identifiers: ClinVar variation 1760743 (VCV001760743.5), dbSNP rs757554863, ClinGen allele CA5296316.